The following is an entry in ClinVar:

NM_014714.4(IFT140):c.2909A>T (p.Glu970Val)

Genes: IFT140 (intraflagellar transport 140; minus strand), LOC126862260 (CDK7 strongly-dependent group 2 enhancer GRCh37_chr16:1574508-1575707; plus strand). Cytogenetic location: 16p13.3.
Variant type: single nucleotide variant.
Coding change: c.2909A>T on transcript NM_014714.4 (MANE Select); coding-DNA position 2909, A replaced by T.
Protein change: p.Glu970Val; replaces glutamic acid 970 with valine.
Molecular consequence: missense variant.
Genome position (GRCh38, 1-based): chr16:1,524,872, T>A on the plus strand (A>T on the coding strand, the complement: IFT140 is on the minus strand). VCF-style: chr16-1524872-T-A. GRCh37 (hg19) VCF-style: chr16-1574873-T-A.
Other names: short protein forms E970V.
Identifiers: ClinVar variation 1378587 (VCV001378587.9), dbSNP rs2141172567, ClinGen allele CA394226483.

ClinVar aggregate classification (germline): Uncertain significance. Review status: criteria provided, multiple submitters, no conflicts (2 of 4 stars). 2 submissions from 2 submitters: Uncertain significance (2). Last evaluated 2024-10-30.

Conditions:
Saldino-Mainzer syndrome (SRTD9). Also called: CONORENAL SYNDROME; short-rib thoracic dysplasia 9 with or without polydactyly; SHORT-RIB THORACIC DYSPLASIA 9 WITHOUT POLYDACTYLY; Renal dysplasia, retinal pigmentary dystrophy, cerebellar ataxia and skeletal dysplasia. Identifiers: Orphanet 140969, MedGen C1849437, MONDO:0009964, OMIM 266920.

Allele frequency attached by ClinVar (database versions not stated): gnomAD exomes below 0.00001.
gnomAD v4.1: 1 of 1,612,302 alleles (0.000062%); highest among the groups gnomAD compares: Admixed American, 0.0017%; no homozygotes.

Submissions (2):

Blueprint Genetics
Classification: Uncertain significance. Last evaluated: 2024-10-30. Review status: criteria provided, single submitter. Criteria: ACMG Guidelines, 2015. Collection method: clinical testing. Allele origin: germline.

Labcorp Genetics (formerly Invitae), Labcorp
Classification: Uncertain significance for Saldino-Mainzer syndrome. Last evaluated: 2021-07-14. Review status: criteria provided, single submitter. Criteria: Invitae Variant Classification Sherloc (09022015). Collection method: clinical testing. Allele origin: germline.
Comment: This sequence change replaces glutamic acid with valine at codon 970 of the IFT140 protein (p.Glu970Val). The glutamic acid residue is moderately conserved and there is a moderate physicochemical difference between glutamic acid and valine. This variant is not present in population databases (ExAC no frequency). This variant has not been reported in the literature in individuals affected with IFT140-related conditions. Algorithms developed to predict the effect of missense changes on protein structure and function are either unavailable or do not agree on the potential impact of this missense change (SIFT: "Deleterious"; PolyPhen-2: "Possibly Damaging"; Align-GVGD: "Class C0"). In summary, the available evidence is currently insufficient to determine the role of this variant in disease. Therefore, it has been classified as a Variant of Uncertain Significance.